The following is an entry in ClinVar:

NM_002693.3(POLG):c.3120G>C (p.Lys1040Asn)

Gene: POLG (DNA polymerase gamma, catalytic subunit; minus strand). Cytogenetic location: 15q26.1.
Variant type: single nucleotide variant.
Coding change: c.3120G>C on transcript NM_002693.3 (MANE Select); coding-DNA position 3120, G replaced by C.
Protein change: p.Lys1040Asn; replaces lysine 1040 with asparagine.
Molecular consequence: missense variant.
Genome position (GRCh38, 1-based): chr15:89,319,084, C>G on the plus strand (G>C on the coding strand, the complement: POLG is on the minus strand). VCF-style: chr15-89319084-C-G. GRCh37 (hg19) VCF-style: chr15-89862315-C-G.
Other names: c.3120G>C, p.Lys1040Asn (NM_001126131.2); short protein forms K1040N.
Identifiers: ClinVar variation 888160 (VCV000888160.8), dbSNP rs754039113, ClinGen allele CA7724227.

ClinVar aggregate classification (germline): Uncertain significance. Review status: criteria provided, multiple submitters, no conflicts (2 of 4 stars). 3 submissions from 3 submitters: Uncertain significance (3). Last evaluated 2026-02-01.

Conditions:
POLG-related disorder. Also called: POLG-related condition; POLG-Related Disorders; POLG-Related Spectrum Disorders. Identifiers: MedGen C4763519.
Progressive sclerosing poliodystrophy (MTDPS4A). Also called: ALPERS DIFFUSE DEGENERATION OF CEREBRAL GRAY MATTER WITH HEPATIC CIRRHOSIS; Alpers-Huttenlocher Syndrome; Alpers-Huttenlocher Syndrome (AHS); Mitochondrial DNA depletion syndrome 4A (Alpers type); NEURONAL DEGENERATION OF CHILDHOOD WITH LIVER DISEASE, PROGRESSIVE; Alpers Syndrome. Identifiers: Orphanet 726, MedGen C0205710, MONDO:0008758, OMIM 203700.

Allele frequency attached by ClinVar (database versions not stated): gnomAD exomes 0.00004; ExAC 0.00004; gnomAD below 0.00001 and 0.00001; TOPMed below 0.00001.
gnomAD v4.1: 32 of 1,614,064 alleles (0.002%); highest among the groups gnomAD compares: South Asian, 0.034%; 1 homozygote.

Submissions (3):

Labcorp Genetics (formerly Invitae), Labcorp
Classification: Uncertain significance for Progressive sclerosing poliodystrophy. Last evaluated: 2026-02-01. Review status: criteria provided, single submitter. Criteria: Invitae Variant Classification Sherloc (09022015). Collection method: clinical testing. Allele origin: germline.
Comment: This sequence change replaces lysine, which is basic and polar, with asparagine, which is neutral and polar, at codon 1040 of the POLG protein (p.Lys1040Asn). This variant is present in population databases (rs754039113, gnomAD 0.03%). This variant has not been reported in the literature in individuals affected with POLG-related conditions. ClinVar contains an entry for this variant (Variation ID: 888160). Invitae Evidence Modeling of protein sequence and biophysical properties (such as structural, functional, and spatial information, amino acid conservation, physicochemical variation, residue mobility, and thermodynamic stability) has been performed for this missense variant. However, the output from this modeling did not meet the statistical confidence thresholds required to predict the impact of this variant on POLG protein function. In summary, the available evidence is currently insufficient to determine the role of this variant in disease. Therefore, it has been classified as a Variant of Uncertain Significance.

GeneDx
Classification: Uncertain significance. Last evaluated: 2025-07-16. Review status: criteria provided, single submitter. Criteria: GeneDx Variant Classification Process June 2021. Collection method: clinical testing. Allele origin: germline.
Comment: In silico analysis suggests that this missense variant does not alter protein structure/function; Has not been previously published as pathogenic or benign to our knowledge

Illumina Laboratory Services, Illumina
Classification: Uncertain significance for POLG-Related Spectrum Disorders. Last evaluated: 2018-01-13. Review status: criteria provided, single submitter. Criteria: ICSL Variant Classification Criteria 13 December 2019. Collection method: clinical testing. Allele origin: germline.